The following is an entry in ClinVar:

NM_001365480.1(CCDC88A):c.2524C>T (p.Arg842Ter)

Gene: CCDC88A (coiled-coil and HOOK domain protein 88A; minus strand). Cytogenetic location: 2p16.1.
Variant type: single nucleotide variant.
Coding change: c.2524C>T on transcript NM_001365480.1 (MANE Select); coding-DNA position 2524, C replaced by T.
Protein change: p.Arg842Ter; replaces arginine 842 with a stop codon.
Molecular consequence: nonsense.
Genome position (GRCh38, 1-based): chr2:55,334,297, G>A on the plus strand (C>T on the coding strand, the complement: CCDC88A is on the minus strand). VCF-style: chr2-55334297-G-A. GRCh37 (hg19) VCF-style: chr2-55561433-G-A.
Other names: c.2524C>T, p.Arg842Ter (NM_001135597.2, NM_001254943.2, NM_018084.5); short protein forms R842*.
Identifiers: ClinVar variation 1456734 (VCV001456734.6), dbSNP rs2104688806, ClinGen allele CA346899006.

ClinVar aggregate classification (germline): Pathogenic (1 of 4 stars; one submission).

Submission:

Labcorp Genetics (formerly Invitae), Labcorp
Classification: Pathogenic. Last evaluated: 2023-01-11. Review status: criteria provided, single submitter. Criteria: Invitae Variant Classification Sherloc (09022015). Collection method: clinical testing. Allele origin: germline.
Comment: This sequence change creates a premature translational stop signal (p.Arg842*) in the CCDC88A gene. It is expected to result in an absent or disrupted protein product. Loss-of-function variants in CCDC88A are known to be pathogenic (PMID: 26917597, 30392057). This variant is not present in population databases (gnomAD no frequency). This variant has not been reported in the literature in individuals affected with CCDC88A-related conditions. ClinVar contains an entry for this variant (Variation ID: 1456734). For these reasons, this variant has been classified as Pathogenic.

Literature cited by the submitters: PubMed 26917597; PubMed 30392057.